The following is an entry in ClinVar:

ClinVar aggregate classification (germline): Uncertain significance (1 of 4 stars; one submission).

Submission:

GeneDx
Classification: Uncertain significance. Last evaluated: 2025-03-14. Review status: criteria provided, single submitter. Criteria: GeneDx Variant Classification Process June 2021. Collection method: clinical testing. Allele origin: germline. Affected: yes.
Comment: Not observed at significant frequency in large population cohorts (gnomAD); In silico analysis supports that this missense variant has a deleterious effect on protein structure/function; Has not been previously published as pathogenic or benign to our knowledge.

NM_020433.5(JPH2):c.1034T>C (p.Val345Ala)

Gene: JPH2 (junctophilin 2; minus strand). Cytogenetic location: 20q13.12.
Variant type: single nucleotide variant.
Coding change: c.1034T>C on transcript NM_020433.5 (MANE Select); coding-DNA position 1034, T replaced by C.
Protein change: p.Val345Ala; replaces valine 345 with alanine.
Molecular consequence: missense variant.
Genome position (GRCh38, 1-based): chr20:44,159,753, A>G on the plus strand (T>C on the coding strand, the complement: JPH2 is on the minus strand). VCF-style: chr20-44159753-A-G. GRCh37 (hg19) VCF-style: chr20-42788393-A-G.
Other names: short protein forms V345A.
Identifiers: ClinVar variation 4086705 (VCV004086705.1).